The following is an entry in ClinVar:

ClinVar aggregate classification (germline): Pathogenic (1 of 4 stars; one submission).

Conditions:
Ellis-van Creveld syndrome (EVC). Also called: MESOECTODERMAL DYSPLASIA; EVC-Related Ellis-van Creveld Syndrome; EVC2-Related Ellis-van Creveld Syndrome; Chondroectodermal dysplasia. Identifiers: Orphanet 289, MedGen C0013903, MONDO:0009162, OMIM 225500.
Curry-Hall syndrome (WAD). Also called: WEYERS ACRODENTAL DYSOSTOSIS. Identifiers: Orphanet 952, MedGen C0457013, MONDO:0008673, OMIM 193530.

Submission:

Labcorp Genetics (formerly Invitae), Labcorp
Classification: Pathogenic for Curry-Hall syndrome; Ellis-van Creveld syndrome. Last evaluated: 2022-09-29. Review status: criteria provided, single submitter. Criteria: Invitae Variant Classification Sherloc (09022015). Collection method: clinical testing. Allele origin: germline.
Comment: For these reasons, this variant has been classified as Pathogenic. Algorithms developed to predict the effect of sequence changes on RNA splicing suggest that this variant may disrupt the consensus splice site. This variant has not been reported in the literature in individuals affected with EVC-related conditions. This variant is not present in population databases (gnomAD no frequency). This sequence change creates a premature translational stop signal (p.Asn124Ilefs*20) in the EVC gene. It is expected to result in an absent or disrupted protein product. Loss-of-function variants in EVC are known to be pathogenic (PMID: 23220543).

Literature cited by the submitters: PubMed 23220543.

NM_153717.3(EVC):c.369del (p.Asn124fs)

Gene: EVC (EvC ciliary complex subunit 1; plus strand). Cytogenetic location: 4p16.2.
Variant type: Deletion.
Coding change: c.369del on transcript NM_153717.3 (MANE Select); coding-DNA position 369, one base deleted (C; older notation c.369delC).
Protein change: p.Asn124fs; shifts the reading frame from asparagine 124.
Molecular consequence: frameshift variant.
Genome position (GRCh38, 1-based): chr4:5,729,375, C deleted. VCF-style (leftmost placement, unchanged base first): chr4-5729374-TC-T. GRCh37 (hg19) VCF-style: chr4-5731101-TC-T.
Other names: c.369del, p.Asn124fs (NM_001306090.2, NM_001306092.2); short protein forms N124fs.
Identifiers: ClinVar variation 2033421 (VCV002033421.4), dbSNP rs2474611174, ClinGen allele CA2580070947.